The following is an entry in ClinVar:

NM_032482.3(DOT1L):c.2545-4G>A

Gene: DOT1L (DOT1 like histone lysine methyltransferase; plus strand). Cytogenetic location: 19p13.3.
Variant type: single nucleotide variant.
Coding change: c.2545-4G>A on transcript NM_032482.3 (MANE Select); 4 bases into the intron before coding-DNA position 2545, G replaced by A.
Molecular consequence: intron variant.
Genome position (GRCh38, 1-based): chr19:2,217,768, G>A. VCF-style: chr19-2217768-G-A. GRCh37 (hg19) VCF-style: chr19-2217767-G-A.
Other names: c.2545-4G>A (NM_001411141.1).
Identifiers: ClinVar variation 2691705 (VCV002691705.1), dbSNP rs773448901, ClinGen allele CA9060940.

ClinVar aggregate classification (germline): Uncertain significance (1 of 4 stars; one submission).

Allele frequency attached by ClinVar (database versions not stated): gnomAD exomes below 0.00001; ExAC 0.00002.
gnomAD v4.1: 2 of 1,599,594 alleles (0.00013%); highest among the groups gnomAD compares: Non-Finnish European, 0.000085%; no homozygotes.

Submission:

Women's Health and Genetics/Laboratory Corporation of America, LabCorp
Classification: Uncertain significance. Last evaluated: 2023-12-14. Review status: criteria provided, single submitter. Criteria: LabCorp Variant Classification Summary - May 2015. Collection method: clinical testing. Allele origin: germline.
Comment: Variant summary: DOT1L c.2545-4G>A alters a nucleotide located close to a canonical splice site and therefore could affect mRNA splicing, leading to a significantly altered protein sequence. Consensus agreement among computation tools predict no significant impact on normal splicing. However, these predictions have yet to be confirmed by functional studies. The variant allele was found at a frequency of 4.5e-06 in 220524 control chromosomes (gnomAD). The available data on variant occurrences in the general population are insufficient to allow any conclusion about variant significance. To our knowledge, no occurrence of c.2545-4G>A in individuals affected with DOT1L-Related Disorders and no experimental evidence demonstrating its impact on protein function have been reported. No submitters have cited clinical-significance assessments for this variant to ClinVar after 2014. Based on the evidence outlined above, the variant was classified as uncertain significance.